The following is an entry in ClinVar:

NM_003500.4(ACOX2):c.1150C>T (p.Pro384Ser)

Gene: ACOX2 (acyl-CoA oxidase 2; minus strand). Cytogenetic location: 3p14.3.
Variant type: single nucleotide variant.
Coding change: c.1150C>T on transcript NM_003500.4 (MANE Select); coding-DNA position 1150, C replaced by T.
Protein change: p.Pro384Ser; replaces proline 384 with serine.
Molecular consequence: missense variant.
Genome position (GRCh38, 1-based): chr3:58,528,799, G>A on the plus strand (C>T on the coding strand, the complement: ACOX2 is on the minus strand). VCF-style: chr3-58528799-G-A. GRCh37 (hg19) VCF-style: chr3-58514526-G-A.
Other names: short protein forms P384S.
Identifiers: ClinVar variation 2983199 (VCV002983199.3), dbSNP rs2063415392, ClinGen allele CA353370763.

ClinVar aggregate classification (germline): Uncertain significance (1 of 4 stars; one submission).

Submission:

Labcorp Genetics (formerly Invitae), Labcorp
Classification: Uncertain significance. Last evaluated: 2025-04-23. Review status: criteria provided, single submitter. Criteria: Invitae Variant Classification Sherloc (09022015). Collection method: clinical testing. Allele origin: germline.
Comment: This sequence change replaces proline, which is neutral and non-polar, with serine, which is neutral and polar, at codon 384 of the ACOX2 protein (p.Pro384Ser). This variant is not present in population databases (gnomAD no frequency). This variant has not been reported in the literature in individuals affected with ACOX2-related conditions. ClinVar contains an entry for this variant (Variation ID: 2983199). Invitae Evidence Modeling of protein sequence and biophysical properties (such as structural, functional, and spatial information, amino acid conservation, physicochemical variation, residue mobility, and thermodynamic stability) indicates that this missense variant is not expected to disrupt ACOX2 protein function with a negative predictive value of 80%. In summary, the available evidence is currently insufficient to determine the role of this variant in disease. Therefore, it has been classified as a Variant of Uncertain Significance.